The following is an entry in ClinVar:

NM_006031.6(PCNT):c.1542C>T (p.Ser514=)

Gene: PCNT (pericentrin; plus strand). Cytogenetic location: 21q22.3.
Variant type: single nucleotide variant.
Coding change: c.1542C>T on transcript NM_006031.6 (MANE Select); coding-DNA position 1542, C replaced by T.
Protein change: p.Ser514=; no amino-acid change (serine 514 retained).
Molecular consequence: synonymous variant.
Genome position (GRCh38, 1-based): chr21:46,353,189, C>T. VCF-style: chr21-46353189-C-T. GRCh37 (hg19) VCF-style: chr21-47773103-C-T.
Other names: c.1188C>T, p.Ser396= (NM_001315529.2).
Identifiers: ClinVar variation 897229 (VCV000897229.10), dbSNP rs2249057, ClinGen allele CA10078660.

ClinVar aggregate classification (germline): Benign/Likely benign. Review status: criteria provided, multiple submitters, no conflicts (2 of 4 stars). 5 submissions from 5 submitters: Benign (1); Likely benign (3). 1 of the submissions does not count toward it. Last evaluated 2025-11-23.

Conditions:
PCNT-related disorder. Also called: PCNT-related condition.
Microcephalic osteodysplastic primordial dwarfism type II (MOPD2). Also called: Microcephalic osteodysplastic primordial dwarfism with tooth abnormalities; MOPD II; OSTEODYSPLASTIC PRIMORDIAL DWARFISM, TYPE II. Identifiers: Orphanet 2637, MedGen C0432246, MONDO:0008872, OMIM 210720.

gnomAD v4.1: 63 of 1,613,790 alleles (0.0039%); highest among the groups gnomAD compares: African/African-American, 0.0094%; no homozygotes.

Submissions (5):

Labcorp Genetics (formerly Invitae), Labcorp
Classification: Likely benign. Last evaluated: 2025-11-23. Review status: criteria provided, single submitter. Criteria: Invitae Variant Classification Sherloc (09022015). Collection method: clinical testing. Allele origin: germline.

Blueprint Genetics
Classification: Likely benign. Last evaluated: 2024-01-30. Review status: criteria provided, single submitter. Criteria: ACMG Guidelines, 2015. Collection method: clinical testing. Allele origin: germline.

Fulgent Genetics
Classification: Likely benign for Microcephalic osteodysplastic primordial dwarfism type II. Last evaluated: 2021-12-20. Review status: criteria provided, single submitter. Criteria: ACMG Guidelines, 2015. Collection method: clinical testing. Allele origin: unknown.

Illumina Laboratory Services, Illumina
Classification: Benign for Microcephalic osteodysplastic primordial dwarfism type II. Last evaluated: 2017-04-27. Review status: criteria provided, single submitter. Criteria: ICSL Variant Classification Criteria 13 December 2019. Collection method: clinical testing. Allele origin: germline.
Comment: This variant was observed as part of a predisposition screen in an ostensibly healthy population. A literature search was performed for the gene, cDNA change, and amino acid change (where applicable). Publications were found based on this search. The evidence from the literature, in combination with allele frequency data from public databases where available, was sufficient to rule this variant out of causing disease. Therefore, this variant is classified as benign.

PreventionGenetics, part of Exact Sciences
Classification: Likely benign for PCNT-related condition. Last evaluated: 2023-05-17. Review status: no assertion criteria provided. Collection method: clinical testing. Allele origin: germline. Not counted in ClinVar's aggregate classification.
Comment: This variant is classified as likely benign based on ACMG/AMP sequence variant interpretation guidelines (Richards et al. 2015 PMID: 25741868, with internal and published modifications).

Literature cited by the submitters: PubMed 18414213 (cited by Illumina Laboratory Services, Illumina); PubMed 21195721 (cited by Illumina Laboratory Services, Illumina); PubMed 19937158 (cited by Illumina Laboratory Services, Illumina); PubMed 19448849 (cited by Illumina Laboratory Services, Illumina).